The following is an entry in ClinVar:

ClinVar aggregate classification (germline): Uncertain significance (1 of 4 stars; one submission).

Conditions:
Dilated cardiomyopathy 1G (CMD1G). Identifiers: Orphanet 154, MedGen C1858763, MONDO:0011400, OMIM 604145.
Autosomal recessive limb-girdle muscular dystrophy type 2J (LGMDR10). Also called: MUSCULAR DYSTROPHY, LIMB-GIRDLE, AUTOSOMAL RECESSIVE 10; Limb-girdle muscular dystrophy, type 2J. Identifiers: Orphanet 140922, MedGen C1837342, MONDO:0012127, OMIM 608807.

gnomAD v4.1: 1 of 1,610,400 alleles (0.000062%); highest among the groups gnomAD compares: Non-Finnish European, 0.000085%; no homozygotes.

Submission:

Labcorp Genetics (formerly Invitae), Labcorp
Classification: Uncertain significance for Dilated cardiomyopathy 1G; Autosomal recessive limb-girdle muscular dystrophy type 2J. Last evaluated: 2022-03-18. Review status: criteria provided, single submitter. Criteria: Invitae Variant Classification Sherloc (09022015). Collection method: clinical testing. Allele origin: germline.
Comment: This sequence change falls in intron 238 of the TTN gene. It does not directly change the encoded amino acid sequence of the TTN protein. It affects a nucleotide within the consensus splice site. This variant is not present in population databases (gnomAD no frequency). This variant has not been reported in the literature in individuals affected with TTN-related conditions. Variants that disrupt the consensus splice site are a relatively common cause of aberrant splicing (PMID: 17576681, 9536098). Algorithms developed to predict the effect of sequence changes on RNA splicing suggest that this variant may disrupt the consensus splice site. This variant is located in the I band of TTN (PMID: 25589632). Variants in this region may be clinically relevant, but have not been definitively shown to cause cardiomyopathy or neuromuscular disease (PMID: 27493940, 32778822). In summary, the available evidence is currently insufficient to determine the role of this variant in disease. Therefore, it has been classified as a Variant of Uncertain Significance.

Literature cited by the submitters: PubMed 17576681; PubMed 9536098; PubMed 25589632; PubMed 27493940; PubMed 32778822.

NM_001267550.2(TTN):c.44154+5G>A

Gene: TTN (titin; minus strand). Cytogenetic location: 2q31.2.
Variant type: single nucleotide variant.
Coding change: c.44154+5G>A on transcript NM_001267550.2 (MANE Select); 5 bases into the intron after coding-DNA position 44154, G replaced by A.
Molecular consequence: intron variant.
Genome position (GRCh38, 1-based): chr2:178,630,799, C>T on the plus strand (G>A on the coding strand, the complement: TTN is on the minus strand). VCF-style: chr2-178630799-C-T. GRCh37 (hg19) VCF-style: chr2-179495526-C-T.
Other names: c.16959+5G>A (NM_003319.4); c.17535+5G>A (NM_133437.4); c.17334+5G>A (NM_133432.3); c.36450+5G>A (NM_133378.4); c.39231+5G>A (NM_001256850.1).
Identifiers: ClinVar variation 1504445 (VCV001504445.8), dbSNP rs2154220094, ClinGen allele CA2573133776.